The following is an entry in ClinVar:

NM_005675.6(DGCR6):c.72G>C (p.Leu24=)

Gene: DGCR6 (DiGeorge syndrome critical region gene 6; plus strand). Cytogenetic location: 22q11.21.
Variant type: single nucleotide variant.
Coding change: c.72G>C on transcript NM_005675.6 (MANE Select); coding-DNA position 72, G replaced by C.
Protein change: p.Leu24=; no amino-acid change (leucine 24 retained).
Molecular consequence: synonymous variant.
Genome position (GRCh38, 1-based): chr22:18,906,446, G>C. VCF-style: chr22-18906446-G-C. GRCh37 (hg19) VCF-style: chr22-18893959-G-C.
Identifiers: ClinVar variation 2652848 (VCV002652848.24), dbSNP rs140371759, ClinGen allele CA10094484.

ClinVar aggregate classification (germline): Likely benign (1 of 4 stars; one submission).

Allele frequency attached by ClinVar (database versions not stated): 1000 Genomes Project 0.00020; ESP Exome Variant Server 0.00108; ExAC 0.00145.

Submission:

CeGaT Center for Human Genetics Tuebingen
Classification: Likely benign. Last evaluated: 2026-10-01. Review status: criteria provided, single submitter. Criteria: CeGaT Center For Human Genetics Tuebingen Variant Classification Criteria Version 2. Collection method: clinical testing. Allele origin: germline. Affected: yes. Observed: 2 variant alleles.
Comment: DGCR6: PM2:Supporting, BP4, BP7